The following is an entry in ClinVar:

ClinVar aggregate classification (germline): Uncertain significance (1 of 4 stars; one submission).

Conditions:
Progressive myoclonic epilepsy. Also called: Familial progressive myoclonic epilepsy; Myoclonic Epilepsies, Progressive; Progressive myoclonus epilepsy; Myoclonus epilepsy. Identifiers: Orphanet 308, Orphanet 98261, MedGen C0751778, MONDO:0020074.

Submission:

Labcorp Genetics (formerly Invitae), Labcorp
Classification: Uncertain significance for Progressive myoclonic epilepsy. Last evaluated: 2021-09-03. Review status: criteria provided, single submitter. Criteria: Invitae Variant Classification Sherloc (09022015). Collection method: clinical testing. Allele origin: germline.
Comment: This sequence change replaces cysteine with tryptophan at codon 3 of the CSTB protein (p.Cys3Trp). The cysteine residue is moderately conserved and there is a large physicochemical difference between cysteine and tryptophan. In summary, the available evidence is currently insufficient to determine the role of this variant in disease. Therefore, it has been classified as a Variant of Uncertain Significance. Algorithms developed to predict the effect of missense changes on protein structure and function are either unavailable or do not agree on the potential impact of this missense change (SIFT: "Deleterious"; PolyPhen-2: "Possibly Damaging"; Align-GVGD: "Class C0"). This variant has not been reported in the literature in individuals affected with CSTB-related conditions. The frequency data for this variant in the population databases is considered unreliable, as metrics indicate insufficient coverage at this position in the ExAC database.

NM_000100.4(CSTB):c.9C>G (p.Cys3Trp)

Genes: CSTB (cystatin B; minus strand), LOC130066788 (ATAC-STARR-seq lymphoblastoid silent region 13368; plus strand). Cytogenetic location: 21q22.3.
Variant type: single nucleotide variant.
Coding change: c.9C>G on transcript NM_000100.4 (MANE Select); coding-DNA position 9, C replaced by G.
Protein change: p.Cys3Trp; replaces cysteine 3 with tryptophan.
Molecular consequence: missense variant.
Genome position (GRCh38, 1-based): chr21:43,776,261, G>C on the plus strand (C>G on the coding strand, the complement: CSTB is on the minus strand). VCF-style: chr21-43776261-G-C. GRCh37 (hg19) VCF-style: chr21-45196142-G-C.
Other names: short protein forms C3W.
Identifiers: ClinVar variation 1436616 (VCV001436616.6), dbSNP rs555930471, ClinGen allele CA321727987.
Genomic context (GRCh38, chr21:43,776,261, plus strand): 5'-CACCTGGTCGGCGATGTGCTGGGTCTCGGCGGTGGCCGGCTGCGTGGCGGAGGGCGCCCC[G>C]CACATCATCTTGGCGGCGACGGAGGGAATCTGGCGAGGGGACTCGGCGAGGGGACGCGGC-3'
Protein context (NP_000091.1, residues 1-13): MM[Cys3Trp]GAPSATQPAT